The following is an entry in ClinVar:

NM_003000.3(SDHB):c.482A>T (p.Asp161Val)

Gene: SDHB (succinate dehydrogenase complex iron sulfur subunit B; minus strand). Cytogenetic location: 1p36.13.
Variant type: single nucleotide variant.
Coding change: c.482A>T on transcript NM_003000.3 (MANE Select); coding-DNA position 482, A replaced by T.
Protein change: p.Asp161Val; replaces aspartic acid 161 with valine.
Molecular consequence: missense variant.
Genome position (GRCh38, 1-based): chr1:17,027,807, T>A on the plus strand (A>T on the coding strand, the complement: SDHB is on the minus strand). VCF-style: chr1-17027807-T-A. GRCh37 (hg19) VCF-style: chr1-17354302-T-A.
Other names: short protein forms D161V.
Identifiers: ClinVar variation 582341 (VCV000582341.9), dbSNP rs1049317868, ClinGen allele CA338272790.

ClinVar aggregate classification (germline): Uncertain significance. Review status: criteria provided, multiple submitters, no conflicts (2 of 4 stars). 2 submissions from 2 submitters: Uncertain significance (2). Last evaluated 2026-07-20.

Conditions:
Pheochromocytoma/paraganglioma syndrome 4. Also called: SDHB-Related Hereditary Paraganglioma-Pheochromocytoma Syndrome (Paragangliomas 4); SDHB-Related Hereditary Paraganglioma-Pheochromocytoma Syndrome; PARAGANGLIOMA, FAMILIAL MALIGNANT; PARAGANGLIOMAS, HEREDITARY EXTRAADRENAL; PHEOCHROMOCYTOMA, FAMILIAL EXTRAADRENAL; Paragangliomas 4. Identifiers: Orphanet 29072, MedGen C1861848, MONDO:0007273, OMIM 115310.
Gastrointestinal stromal tumor. Also called: Gastrointestinal stromal tumor, somatic; Gastrointestinal stroma tumor. Identifiers: Orphanet 44890, MedGen C0238198, MeSH D046152, MONDO:0011719, OMIM 606764, HP:0100723.
Pheochromocytoma. Also called: MAX-Related Hereditary Paraganglioma-Pheochromocytoma Syndrome. Identifiers: Orphanet 29072, MedGen C0031511, MONDO:0008233, OMIM 171300, HP:0002666.
Hereditary cancer-predisposing syndrome. Also called: Neoplastic Syndromes, Hereditary; Hereditary Cancer Syndrome; Hereditary neoplastic syndrome; Tumor predisposition. Identifiers: Orphanet 140162, MedGen C0027672, MeSH D009386, MONDO:0015356.

Submissions (2):

Ambry Genetics
Classification: Uncertain significance for Hereditary cancer-predisposing syndrome. Last evaluated: 2026-07-20. Review status: criteria provided, single submitter. Criteria: Ambry Variant Classification Scheme 2023. Collection method: clinical testing. Allele origin: germline.
Comment: The p.D161V variant (also known as c.482A>T), located in coding exon 5 of the SDHB gene, results from an A to T substitution at nucleotide position 482. The aspartic acid at codon 161 is replaced by valine, an amino acid with highly dissimilar properties. This amino acid position is conserved. In addition, this alteration is predicted to be deleterious by in silico analysis. Since supporting evidence is limited at this time, the clinical significance of this alteration remains unclear.

Labcorp Genetics (formerly Invitae), Labcorp
Classification: Uncertain significance for Gastrointestinal stromal tumor; Pheochromocytoma/paraganglioma syndrome 4; Pheochromocytoma. Last evaluated: 2024-08-13. Review status: criteria provided, single submitter. Criteria: Invitae Variant Classification Sherloc (09022015). Collection method: clinical testing. Allele origin: germline.
Comment: This sequence change replaces aspartic acid, which is acidic and polar, with valine, which is neutral and non-polar, at codon 161 of the SDHB protein (p.Asp161Val). This variant is not present in population databases (gnomAD no frequency). This variant has not been reported in the literature in individuals affected with SDHB-related conditions. ClinVar contains an entry for this variant (Variation ID: 582341). Advanced modeling of protein sequence and biophysical properties (such as structural, functional, and spatial information, amino acid conservation, physicochemical variation, residue mobility, and thermodynamic stability) performed at Invitae indicates that this missense variant is not expected to disrupt SDHB protein function with a negative predictive value of 80%. In summary, the available evidence is currently insufficient to determine the role of this variant in disease. Therefore, it has been classified as a Variant of Uncertain Significance.